The following is an entry in ClinVar:

NM_015178.3(RHOBTB2):c.1689C>A (p.Phe563Leu)

Gene: RHOBTB2 (Rho related BTB domain containing 2; plus strand). Cytogenetic location: 8p21.3.
Variant type: single nucleotide variant.
Coding change: c.1689C>A on transcript NM_015178.3 (MANE Select); coding-DNA position 1689, C replaced by A.
Protein change: p.Phe563Leu; replaces phenylalanine 563 with leucine.
Molecular consequence: missense variant.
Genome position (GRCh38, 1-based): chr8:23,010,606, C>A. VCF-style: chr8-23010606-C-A. GRCh37 (hg19) VCF-style: chr8-22868119-C-A.
Other names: c.1755C>A, p.Phe585Leu (NM_001160036.2); c.1710C>A, p.Phe570Leu (NM_001160037.2); c.1689C>A, p.Phe563Leu (NM_001374791.1); short protein forms F563L, F570L, F585L.
Identifiers: ClinVar variation 1714384 (VCV001714384.5), dbSNP rs1379506839, ClinGen allele CA370572427.

ClinVar aggregate classification (germline): Uncertain significance (1 of 4 stars; one submission).

Submission:

Labcorp Genetics (formerly Invitae), Labcorp
Classification: Uncertain significance. Last evaluated: 2022-07-30. Review status: criteria provided, single submitter. Criteria: Invitae Variant Classification Sherloc (09022015). Collection method: clinical testing. Allele origin: germline.
Comment: In summary, the available evidence is currently insufficient to determine the role of this variant in disease. Therefore, it has been classified as a Variant of Uncertain Significance. This sequence change replaces phenylalanine, which is neutral and non-polar, with leucine, which is neutral and non-polar, at codon 585 of the RHOBTB2 protein (p.Phe585Leu). This variant is not present in population databases (gnomAD no frequency). This variant has not been reported in the literature in individuals affected with RHOBTB2-related conditions. Algorithms developed to predict the effect of missense changes on protein structure and function (SIFT, PolyPhen-2, Align-GVGD) all suggest that this variant is likely to be tolerated.